The following is an entry in ClinVar:

NM_025114.4(CEP290):c.4219T>A (p.Trp1407Arg)

Gene: CEP290 (centrosomal protein 290; minus strand). Cytogenetic location: 12q21.32.
Variant type: single nucleotide variant.
Coding change: c.4219T>A on transcript NM_025114.4 (MANE Select); coding-DNA position 4219, T replaced by A.
Protein change: p.Trp1407Arg; replaces tryptophan 1407 with arginine.
Molecular consequence: missense variant.
Genome position (GRCh38, 1-based): chr12:88,086,474, A>T on the plus strand (T>A on the coding strand, the complement: CEP290 is on the minus strand). VCF-style: chr12-88086474-A-T. GRCh37 (hg19) VCF-style: chr12-88480251-A-T.
Other names: short protein forms W1407R.
Identifiers: ClinVar variation 4991268 (VCV004991268.1).

ClinVar aggregate classification (germline): Uncertain significance (1 of 4 stars; one submission).

Conditions:
CEP290-related disorder. Also called: CEP290-related condition; CEP290-related disorders. Identifiers: MedGen CN239314.

gnomAD v4.1: 1 of 1,597,066 alleles (0.000063%); highest among the groups gnomAD compares: Non-Finnish European, 0.000085%; no homozygotes.

Submission:

PreventionGenetics, part of Exact Sciences
Classification: Uncertain significance for CEP290-related condition. Last evaluated: 2025-08-15. Review status: criteria provided, single submitter. Criteria: ACMG Guidelines, 2015. Collection method: clinical testing. Allele origin: germline.
Comment: The CEP290 c.4219T>A variant is predicted to result in the amino acid substitution p.Trp1407Arg. To our knowledge, this variant has not been reported in the literature or in a large population database (gnomAD), indicating this variant is rare. At this time, the clinical significance of this variant is uncertain due to the absence of conclusive functional and genetic evidence.